The following is an entry in ClinVar:

ClinVar aggregate classification (germline): Pathogenic. Review status: criteria provided, multiple submitters, no conflicts (2 of 4 stars). 14 submissions from 12 submitters: Pathogenic (9). 5 of the submissions do not count toward it. Last evaluated 2026-01-25.

Conditions:
SLC26A2-related disorder. Also called: SLC26A2-related condition; SLC26A2-related disorders. Identifiers: MedGen CN239404.
Connective tissue disorder. Also called: Connective tissue disease. Identifiers: MedGen C0009782, MONDO:0003900.
Atelosteogenesis type II (AO2). Also called: NEONATAL OSSEOUS DYSPLASIA I; Neonatal osseous dysplasia 1; SLC26A2-Related Atelosteogenesis. Identifiers: Orphanet 56304, MedGen C1850554, MONDO:0009727, OMIM 256050.
Multiple epiphyseal dysplasia type 4 (EDM4). Also called: MULTIPLE EPIPHYSEAL DYSPLASIA WITH BILAYERED PATELLAE; MULTIPLE EPIPHYSEAL DYSPLASIA WITH CLUBFOOT; MULTIPLE EPIPHYSEAL DYSPLASIA, AUTOSOMAL RECESSIVE; Multiple Epiphyseal Dysplasia, Recessive; SLC26A2-Related Multiple Epiphyseal Dysplasia. Identifiers: Orphanet 93307, MedGen C1847593, MONDO:0009189, OMIM 226900.
Diastrophic dysplasia (DTD). Also called: Diastrophic dwarfism. Identifiers: Orphanet 628, MedGen C0220726, MONDO:0009107, OMIM 222600.
Achondrogenesis, type IB (ACG1B). Also called: Achondrogenesis Type 1B. Identifiers: Orphanet 932, Orphanet 93298, MedGen C0265274, MONDO:0010966, OMIM 600972.
Sulfate transporter-related osteochondrodysplasia. Also called: DTDST-related dysplasias. Identifiers: MedGen CN120497. Disease mechanism: loss of function.

Submissions (14):

Labcorp Genetics (formerly Invitae), Labcorp
Classification: Pathogenic for Atelosteogenesis type II; Multiple epiphyseal dysplasia type 4; Achondrogenesis, type IB; Diastrophic dysplasia. Last evaluated: 2026-01-25. Review status: criteria provided, single submitter. Criteria: Invitae Variant Classification Sherloc (09022015). Collection method: clinical testing. Allele origin: germline.
Comment: This sequence change creates a premature translational stop signal (p.Lys575Serfs*10) in the SLC26A2 gene. While this is not anticipated to result in nonsense mediated decay, it is expected to disrupt the last 165 amino acid(s) of the SLC26A2 protein. This variant is present in population databases (rs749382145, gnomAD 0.008%). This premature translational stop signal has been observed in individual(s) with achondrogenesis, atelosteogenesis, and diastrophic dysplasia (PMID: 7923357, 8528239, 8571951; internal data). In at least one individual the data is consistent with being in trans (on the opposite chromosome) from a pathogenic variant. ClinVar contains an entry for this variant (Variation ID: 4087). For these reasons, this variant has been classified as Pathogenic.

Natera, Inc.
Classification: Pathogenic for Achondrogenesis type IB. Last evaluated: 2025-09-17. Review status: criteria provided, single submitter. Criteria: Natera Variant Classification Schema (03/2026). Collection method: clinical testing. Allele origin: germline.
Comment: The c.1724delA variant in SLC26A2 is a frameshift variant predicted to shift the reading frame beginning at codon 575 and leads to a stop codon 10 codons downstream. This variant is expected to result in nonsense mediated decay, truncation, or a dysfunctional protein product. This variant is rare in the general population with a frequency below the threshold expected for the associated phenotype(s). This variant has been observed in one or more individuals affected with the associated recessive disease, as either homozygous or compound heterozygous with a second variant (PMID: 8571951, 36660027). Given the available evidence, this variant is classified as Pathogenic.

Genomic Medicine Center of Excellence, King Faisal Specialist Hospital and Research Centre
Classification: Pathogenic for Diastrophic dysplasia. Last evaluated: 2024-09-22. Review status: criteria provided, single submitter. Criteria: ACMG Guidelines, 2015. Collection method: clinical testing. Allele origin: germline.

Blueprint Genetics
Classification: Pathogenic for SLC26A2-related disorders. Last evaluated: 2024-09-03. Review status: criteria provided, single submitter. Criteria: ACMG Guidelines, 2015. Collection method: clinical testing. Allele origin: germline. Affected: yes. Observed: 3 variant alleles.

Fulgent Genetics
Classification: Pathogenic for Diastrophic dysplasia; Multiple epiphyseal dysplasia type 4; Atelosteogenesis type II; Achondrogenesis, type IB. Last evaluated: 2024-04-10. Review status: criteria provided, single submitter. Criteria: ACMG Guidelines, 2015. Collection method: clinical testing. Allele origin: germline.

Baylor Genetics
Classification: Pathogenic for Achondrogenesis, type IB. Last evaluated: 2024-02-29. Review status: criteria provided, single submitter. Criteria: ACMG Guidelines, 2015. Collection method: clinical testing. Allele origin: unknown.

3billion
Classification: Pathogenic for Multiple epiphyseal dysplasia type 4. Last evaluated: 2023-07-14. Review status: criteria provided, single submitter. Criteria: ACMG Guidelines, 2015. Collection method: clinical testing. Allele origin: germline. Affected: yes.
Comment: The variant is observed at an extremely low frequency in the gnomAD v2.1.1 dataset (total allele frequency: 0.005%). Predicted Consequence/Location: Frameshift: predicted to result in a loss or disruption of normal protein function through protein truncation. The predicted truncated protein may be shortened by more than 10%. The variant has been reported at least twice as pathogenic with clinical assertions and evidence for the classification (ClinVar ID: VCV000004087 /PMID: 7923357). Therefore, this variant is classified as Pathogenic according to the recommendation of ACMG/AMP guideline.

Genome Diagnostics Laboratory, The Hospital for Sick Children
Classification: Pathogenic for Connective tissue disorder. Last evaluated: 2019-05-01. Review status: criteria provided, single submitter. Criteria: ACMG Guidelines, 2015. Collection method: clinical testing. Allele origin: germline.

Women's Health and Genetics/Laboratory Corporation of America, LabCorp
Classification: Pathogenic for Osteochondrodysplasia. Last evaluated: 2017-01-26. Review status: criteria provided, single submitter. Criteria: LabCorp Variant Classification Summary - May 2015. Collection method: clinical testing. Allele origin: germline.
Comment: Variant summary: The SLC26A2 c.1724delA (p.Lys575Serfs) variant results in a premature termination codon, predicted to cause a truncated or absent SLC26A2 protein due to nonsense mediated decay, which are commonly known mechanisms for disease. One in silico tool predicts a damaging outcome for this variant. This variant is absent in 121446 control chromosomes. This variant has been reported in multiple affected individuals and classified as pathogenic/likely pathogenic by clinical diagnostic laboratories and reputable databases. Taken together, this variant is classified as pathogenic.

Institute of Medical Genetics and Genomics, Sir Ganga Ram Hospital
Classification: Pathogenic for Achondrogenesis, type IB. Last evaluated: 2021-11-24. Review status: no assertion criteria provided. Collection method: clinical testing. Allele origin: germline. Inheritance: Autosomal recessive inheritance. Affected: yes. Observed: 1 homozygote. Not counted in ClinVar's aggregate classification.
Comment: The allele frequency-0.0048% in gnomAD (aggregated) database and 0.0058% in 1000g. Achondrogensis IB is an autosomal recessive disorder. Based on the phenotypic observation and the available literature, we classify this variant as pathogenic.

OMIM
Classification: Pathogenic for DIASTROPHIC DYSPLASIA. Last evaluated: 1996-02-01. Review status: no assertion criteria provided. Collection method: literature only. Allele origin: germline. Not counted in ClinVar's aggregate classification.

OMIM
Classification: Pathogenic for ATELOSTEOGENESIS, TYPE II. Last evaluated: 1996-02-01. Review status: no assertion criteria provided. Collection method: literature only. Allele origin: germline. Not counted in ClinVar's aggregate classification.

OMIM
Classification: Pathogenic for ACHONDROGENESIS, TYPE IB. Last evaluated: 1996-02-01. Review status: no assertion criteria provided. Collection method: literature only. Allele origin: germline. Not counted in ClinVar's aggregate classification.

Juha Muilu Group; Institute for Molecular Medicine Finland (FIMM)
Classification: Likely pathogenic for Diastrophic dysplasia. Review status: no assertion criteria provided. Collection method: not provided. Allele origin: unknown. Not counted in ClinVar's aggregate classification.
Comment: FinDis database variant: This variant was not found or characterized by our laboratory, data were collected from public sources: see reference
ClinVar note: Converted during submission from probable-pathogenic to Likely pathogenic.

Literature cited by the submitters: PubMed 7923357 (cited by 3 submitters); PubMed 8528239 (cited by 4 submitters); PubMed 8571951 (cited by 4 submitters); PubMed 36660027 (cited by Natera, Inc.).

NM_000112.4(SLC26A2):c.1724del (p.Lys575fs)

Gene: SLC26A2 (solute carrier family 26 member 2; plus strand). Cytogenetic location: 5q32.
Variant type: Deletion.
Coding change: c.1724del on transcript NM_000112.4 (MANE Select); coding-DNA position 1724, one base deleted (A; older notation c.1724delA).
Protein change: p.Lys575fs; shifts the reading frame from lysine 575.
Molecular consequence: frameshift variant.
Genome position (GRCh38, 1-based): chr5:149,981,317, A deleted; the last of 2 consecutive A bases (chr5:149,981,316-149,981,317); deleting either gives the same sequence. VCF-style (leftmost placement, unchanged base first): chr5-149981315-TA-T. GRCh37 (hg19) VCF-style: chr5-149360878-TA-T.
Other names: c.1724delA (NM_000112.4, NM_000112.3); short protein forms K575fs.
Identifiers: ClinVar variation 4087 (VCV000004087.27), dbSNP rs386833498, ClinGen allele CA252988.